The following is an entry in ClinVar:

NM_013266.4(CTNNA3):c.1675G>A (p.Glu559Lys)

Gene: CTNNA3 (catenin alpha 3; minus strand). Cytogenetic location: 10q21.3.
Variant type: single nucleotide variant.
Coding change: c.1675G>A on transcript NM_013266.4 (MANE Select); coding-DNA position 1675, G replaced by A.
Protein change: p.Glu559Lys; replaces glutamic acid 559 with lysine.
Molecular consequence: missense variant.
Genome position (GRCh38, 1-based): chr10:66,379,209, C>T on the plus strand (G>A on the coding strand, the complement: CTNNA3 is on the minus strand). VCF-style: chr10-66379209-C-T. GRCh37 (hg19) VCF-style: chr10-68138967-C-T.
Other names: c.1675G>A, p.Glu559Lys (NM_001127384.3); c.1675G>A (NM_013266.2); short protein forms E559K.
Identifiers: ClinVar variation 2145747 (VCV002145747.7), dbSNP rs367823042, ClinGen allele CA5519859.

ClinVar aggregate classification (germline): Uncertain significance. Review status: criteria provided, multiple submitters, no conflicts (2 of 4 stars). 2 submissions from 2 submitters: Uncertain significance (2). Last evaluated 2025-08-30.

Conditions:
Arrhythmogenic right ventricular dysplasia 13. Also called: ARRHYTHMOGENIC RIGHT VENTRICULAR CARDIOMYOPATHY 13; Arrhythmogenic right ventricular dysplasia, familial, 13. Identifiers: MedGen C3810138, MONDO:0000908, OMIM 615616.

Allele frequency attached by ClinVar (database versions not stated): gnomAD exomes 0.00001; ExAC 0.00002; gnomAD 0.00002; TOPMed 0.00003; ESP Exome Variant Server 0.00008.
gnomAD v4.1: 14 of 1,614,000 alleles (0.00087%); highest among the groups gnomAD compares: African/African-American, 0.0027%; no homozygotes.

Submissions (2):

Ambry Genetics
Classification: Uncertain significance. Last evaluated: 2025-08-30. Review status: criteria provided, single submitter. Criteria: Ambry Variant Classification Scheme 2023. Collection method: clinical testing. Allele origin: germline.

Labcorp Genetics (formerly Invitae), Labcorp
Classification: Uncertain significance for Arrhythmogenic right ventricular dysplasia 13. Last evaluated: 2024-04-15. Review status: criteria provided, single submitter. Criteria: Invitae Variant Classification Sherloc (09022015). Collection method: clinical testing. Allele origin: germline.
Comment: This sequence change replaces glutamic acid, which is acidic and polar, with lysine, which is basic and polar, at codon 559 of the CTNNA3 protein (p.Glu559Lys). This variant is present in population databases (rs367823042, gnomAD 0.01%). This variant has not been reported in the literature in individuals affected with CTNNA3-related conditions. ClinVar contains an entry for this variant (Variation ID: 2145747). Advanced modeling of protein sequence and biophysical properties (such as structural, functional, and spatial information, amino acid conservation, physicochemical variation, residue mobility, and thermodynamic stability) performed at Invitae indicates that this missense variant is expected to disrupt CTNNA3 protein function with a positive predictive value of 80%. In summary, the available evidence is currently insufficient to determine the role of this variant in disease. Therefore, it has been classified as a Variant of Uncertain Significance.